The following is an entry in ClinVar:

NM_153704.6(TMEM67):c.924_925insTGAGGAGTGTCTCTGCCCGGCCGCTCCGTCTGAGAAGTGAGGAAACCCTCTGCCTGGCAACCGCCCCGTCTGAGAAGTGAGGAGCCCCTCCGTNNNNNNNNNNAAAAAAAAAAAAAAAAAAAAAGGATTAGCACCTCAA (p.Val309Ter)

Gene: TMEM67 (transmembrane protein 67; plus strand). Cytogenetic location: 8q22.1.
Variant type: Insertion.
Coding change: c.924_925insTGAGGAGTGTCTCTGCCCGGCCGCTCCGTCTGAGAAGTGAGGAAACCCTCTGCCTGGCAACCGCCCCGTCTGAGAAGTGAGGAGCCCCTCCGTNNNNNNNNNNAAAAAAAAAAAAAAAAAAAAAGGATTAGCACCTCAA on transcript NM_153704.6 (MANE Select); coding-DNA positions 924 to 925, TGAGGAGTGTCTCTGCCCGGCCGCTCCGTCTGAGAAGTGAGGAAACCCTCTGCCTGGCAACCGCCCCGTCTGAGAAGTGAGGAGCCCCTCCGTNNNNNNNNNNAAAAAAAAAAAAAAAAAAAAAGGATTAGCACCTCAA inserted.
Protein change: p.Val309Ter; replaces valine 309 with a stop codon.
Molecular consequence: nonsense. On other transcripts: non-coding transcript variant (1).
Genome position: GRCh38: chr8:93,780,928-93,780,929. GRCh37 (hg19): chr8:94,793,156-94,793,157.
Other names: c.681_682insTGAGGAGTGTCTCTGCCCGGCCGCTCCGTCTGAGAAGTGAGGAAACCCTCTGCCTGGCAACCGCCCCGTCTGAGAAGTGAGGAGCCCCTCCGTNNNNNNNNNNAAAAAAAAAAAAAAAAAAAAAGGATTAGCACCTCAA, p.Val228Ter (NM_001142301.1); short protein forms V228*, V309*.
Identifiers: ClinVar variation 1433508 (VCV001433508.6), dbSNP rs2130664400.

ClinVar aggregate classification (germline): Pathogenic (1 of 4 stars; one submission).

Conditions:
Joubert syndrome. Also called: CEREBELLOPARENCHYMAL DISORDER IV; JOUBERT-BOLTSHAUSER SYNDROME; Familial aplasia of the vermis. Identifiers: Orphanet 475, MedGen C5979921, MONDO:0018772.
Meckel-Gruber syndrome. Also called: DYSENCEPHALIA SPLANCHNOCYSTICA; GRUBER SYNDROME; Dysencephalia splachnocystica. Identifiers: Orphanet 564, MedGen C0265215, MONDO:0018921.

Submission:

Labcorp Genetics (formerly Invitae), Labcorp
Classification: Pathogenic for Joubert syndrome; Meckel-Gruber syndrome. Last evaluated: 2021-01-08. Review status: criteria provided, single submitter. Criteria: Invitae Variant Classification Sherloc (09022015). Collection method: clinical testing. Allele origin: germline.
Comment: This sequence change inserts a large fragment of DNA, likely a transposable element, in exon 9 of the TMEM67 gene (c.924_925ins?), causing a frameshift at codon 309 (p.Val309fs). The exact size and sequence of the insertion cannot be determined by the current assay. However, the insertion is expected to result in an absent or disrupted protein product. This variant is not present in population databases (ExAC no frequency). This variant has not been reported in the literature in individuals with TMEM67-related conditions. Algorithms developed to predict the effect of sequence changes on RNA splicing suggest that this variant may create or strengthen a splice site, but this prediction has not been confirmed by published transcriptional studies. Retrotransposon insertions including LINE1 (L1), Alu, and SVA (SINE-VNTR-Alu) have been reported to be disease-causing through disruption of either a coding region or splice site (PMID: 19763152, 20307669, 22406018) and loss-of-function variants in TMEM67 are known to be pathogenic (PMID: 20232449). For these reasons, this variant has been classified as Pathogenic.

Literature cited by the submitters: PubMed 19763152; PubMed 20307669; PubMed 22406018; PubMed 20232449.